The following is an entry in ClinVar:

ClinVar aggregate classification (germline): Benign. Review status: criteria provided, multiple submitters, no conflicts (2 of 4 stars). 13 submissions from 11 submitters: Benign (10). 3 of the submissions do not count toward it. Last evaluated 2026-02-03.

Conditions:
Spinocerebellar ataxia type 15/16 (SCA15). Also called: Spinocerebellar Ataxia Type 15. Identifiers: Orphanet 98769, MedGen C1847725, MONDO:0011694, OMIM 606658.
Spinocerebellar ataxia type 29 (SCA29). Also called: CEREBELLAR ATAXIA, CONGENITAL NONPROGRESSIVE, AUTOSOMAL DOMINANT; Spinocerebellar ataxia 29, congenital nonprogressive. Identifiers: Orphanet 208513, MedGen C1861732, MONDO:0007298, OMIM 117360.
Gillespie syndrome (GLSP). Also called: Aniridia-cerebellar ataxia-intellectual disability syndrome; Aniridia, cerebellar ataxia, and mental deficiency. Identifiers: Orphanet 1065, MedGen C0431401, MONDO:0008795, OMIM 206700.
Autosomal dominant cerebellar ataxia. Also called: Spinocerebellar Ataxia, Dominant. Identifiers: Orphanet 99, MedGen C4087347, MONDO:0020380.

Allele frequency attached by ClinVar (database versions not stated): ESP Exome Variant Server 0.23085; gnomAD 0.24351; TOPMed 0.25217; 1000 Genomes Project 30x 0.26390; 1000 Genomes Project 0.26458; ExAC 0.28681; gnomAD exomes 0.29322.
gnomAD v4.1: 456,314 of 1,613,528 alleles (28%); highest among the groups gnomAD compares: East Asian, 40%; 66,485 homozygotes.

Submissions (13):

Labcorp Genetics (formerly Invitae), Labcorp
Classification: Benign. Last evaluated: 2026-02-03. Review status: criteria provided, single submitter. Criteria: Invitae Variant Classification Sherloc (09022015). Collection method: clinical testing. Allele origin: germline.

Blueprint Genetics
Classification: Benign. Last evaluated: 2024-11-26. Review status: criteria provided, single submitter. Criteria: ACMG Guidelines, 2015. Collection method: clinical testing. Allele origin: germline.

Mayo Clinic Laboratories, Mayo Clinic
Classification: Benign. Last evaluated: 2022-03-24. Review status: criteria provided, single submitter. Criteria: ACMG Guidelines, 2015. Collection method: clinical testing. Allele origin: germline. Observed: 224 variant alleles.

Genome-Nilou Lab
Classification: Benign for Gillespie syndrome. Last evaluated: 2021-08-19. Review status: criteria provided, single submitter. Criteria: ACMG Guidelines, 2015. Collection method: clinical testing. Allele origin: germline. Affected: no.

Genome-Nilou Lab
Classification: Benign for Spinocerebellar ataxia type 15/16. Last evaluated: 2021-08-19. Review status: criteria provided, single submitter. Criteria: ACMG Guidelines, 2015. Collection method: clinical testing. Allele origin: germline. Affected: no.

Genome-Nilou Lab
Classification: Benign for Spinocerebellar ataxia type 29. Last evaluated: 2021-08-19. Review status: criteria provided, single submitter. Criteria: ACMG Guidelines, 2015. Collection method: clinical testing. Allele origin: germline. Affected: no.

Athena Diagnostics
Classification: Benign. Last evaluated: 2019-09-04. Review status: criteria provided, single submitter. Criteria: Athena Diagnostics Criteria. Collection method: clinical testing. Allele origin: unknown.

GeneDx
Classification: Benign. Last evaluated: 2018-07-26. Review status: criteria provided, single submitter. Criteria: GeneDx Variant Classification Process June 2021. Collection method: clinical testing. Allele origin: germline. Affected: yes.

Illumina Laboratory Services, Illumina
Classification: Benign for Spinocerebellar Ataxia, Dominant. Last evaluated: 2018-01-13. Review status: criteria provided, single submitter. Criteria: ICSL Variant Classification Criteria 13 December 2019. Collection method: clinical testing. Allele origin: germline.
Comment: This variant was observed in the ICSL laboratory as part of a predisposition screen in an ostensibly healthy population. It had not been previously curated by ICSL or reported in the Human Gene Mutation Database (HGMD: prior to June 1st, 2018), and was therefore a candidate for classification through an automated scoring system. Utilizing variant allele frequency, disease prevalence and penetrance estimates, and inheritance mode, an automated score was calculated to assess if this variant is too frequent to cause the disease. Based on the score and internal cut-off values, a variant classified as benign is not then subjected to further curation. The score for this variant resulted in a classification of benign for this disease.

Breakthrough Genomics
Classification: Benign. Review status: criteria provided, single submitter. Criteria: ACMG Guidelines, 2015. Collection method: not provided. Allele origin: germline. Inheritance: Autosomal dominant inheritance. Affected: yes.

Clinical Genetics DNA and cytogenetics Diagnostics Lab, Erasmus MC, Erasmus Medical Center
Classification: Benign. Review status: no assertion criteria provided. Collection method: clinical testing. Allele origin: germline. Affected: yes. Study: VKGL Data-share Consensus. Not counted in ClinVar's aggregate classification.

Diagnostic Laboratory, Department of Genetics, University Medical Center Groningen
Classification: Benign. Review status: no assertion criteria provided. Collection method: clinical testing. Allele origin: germline. Affected: yes. Study: VKGL Data-share Consensus. Not counted in ClinVar's aggregate classification.

Genetic Services Laboratory, University of Chicago
Classification: Likely benign for AllHighlyPenetrant. Review status: no assertion criteria provided. Collection method: clinical testing. Allele origin: germline. Inheritance: Autosomal dominant inheritance. Not counted in ClinVar's aggregate classification.
Comment: Likely benign based on allele frequency in 1000 Genomes Project or ESP global frequency and its presence in a patient with a rare or unrelated disease phenotype. NOT Sanger confirmed.

NM_001378452.1(ITPR1):c.7054C>T (p.Leu2352=)

Gene: ITPR1 (inositol 1,4,5-trisphosphate receptor type 1; plus strand). Cytogenetic location: 3p26.1.
Variant type: single nucleotide variant.
Coding change: c.7054C>T on transcript NM_001378452.1 (MANE Select); coding-DNA position 7054, C replaced by T.
Protein change: p.Leu2352=; no amino-acid change (leucine 2352 retained).
Molecular consequence: synonymous variant.
Genome position (GRCh38, 1-based): chr3:4,800,547, C>T. VCF-style: chr3-4800547-C-T. GRCh37 (hg19) VCF-style: chr3-4842231-C-T.
Other names: p.Leu2289=; c.6910C>T, p.Leu2304= (NM_001099952.4); c.7009C>T, p.Leu2337= (NM_001168272.2); c.6865C>T, p.Leu2289= (NM_002222.7).
Identifiers: ClinVar variation 129302 (VCV000129302.29), dbSNP rs2291862, ClinGen allele CA153222.